The following is an entry in ClinVar:

NM_139058.3(ARX):c.433G>C (p.Ala145Pro)

Genes: ARX (aristaless related homeobox; minus strand), LOC109610631 (aristaless related homeobox polyalanine expansion region; plus strand). Cytogenetic location: Xp21.3.
Variant type: single nucleotide variant.
Coding change: c.433G>C on transcript NM_139058.3 (MANE Select); coding-DNA position 433, G replaced by C.
Protein change: p.Ala145Pro; replaces alanine 145 with proline.
Molecular consequence: missense variant.
Genome position (GRCh38, 1-based): chrX:25,013,562, C>G on the plus strand (G>C on the coding strand, the complement: ARX is on the minus strand). VCF-style: chrX-25013562-C-G. GRCh37 (hg19) VCF-style: chrX-25031679-C-G.
Other names: short protein forms A145P.
Identifiers: ClinVar variation 4790800 (VCV004790800.1).

ClinVar aggregate classification (germline): Uncertain significance (1 of 4 stars; one submission).

Conditions:
Intellectual disability, X-linked, with or without seizures, ARX-related. Also called: Mental retardation, X-linked 52; MENTAL RETARDATION, X-LINKED 29; MENTAL RETARDATION, X-LINKED 32; MENTAL RETARDATION, X-LINKED 33; MENTAL RETARDATION, X-LINKED 38; MENTAL RETARDATION, X-LINKED 43. Identifiers: Orphanet 777, MedGen C0796244, MONDO:0010317, OMIM 300419.
Developmental and epileptic encephalopathy, 1 (DEE1). Also called: X-linked infantile spasms; West's syndrome; Tonic spasms with clustering, arrest of psychomotor development and hypsarrhythmia on EEG; X-Linked Infantile Spasm Syndrome; OHTAHARA SYNDROME, X-LINKED; INFANTILE SPASM SYNDROME, X-LINKED 1. Identifiers: MedGen C3463992, MONDO:0010632, OMIM 308350. Disease mechanism: loss of function.

Submission:

Labcorp Genetics (formerly Invitae), Labcorp
Classification: Uncertain significance for Developmental and epileptic encephalopathy, 1; Intellectual disability, X-linked, with or without seizures, ARX-related. Last evaluated: 2025-05-04. Review status: criteria provided, single submitter. Criteria: Invitae Variant Classification Sherloc (09022015). Collection method: clinical testing. Allele origin: germline.
Comment: This sequence change replaces alanine, which is neutral and non-polar, with proline, which is neutral and non-polar, at codon 145 of the ARX protein (p.Ala145Pro). The frequency data for this variant in the population databases is considered unreliable, as metrics indicate insufficient coverage at this position in the gnomAD database. This variant has not been reported in the literature in individuals affected with ARX-related conditions. Invitae Evidence Modeling of protein sequence and biophysical properties (such as structural, functional, and spatial information, amino acid conservation, physicochemical variation, residue mobility, and thermodynamic stability) indicates that this missense variant is not expected to disrupt ARX protein function with a negative predictive value of 95%. In summary, the available evidence is currently insufficient to determine the role of this variant in disease. Therefore, it has been classified as a Variant of Uncertain Significance.